The following is an entry in ClinVar:

ClinVar aggregate classification (germline): Uncertain significance (1 of 4 stars; one submission).

gnomAD v4.1: 1 of 1,614,148 alleles (0.000062%); highest among the groups gnomAD compares: Admixed American, 0.0017%; no homozygotes.

Submission:

Labcorp Genetics (formerly Invitae), Labcorp
Classification: Uncertain significance. Last evaluated: 2024-03-13. Review status: criteria provided, single submitter. Criteria: Invitae Variant Classification Sherloc (09022015). Collection method: clinical testing. Allele origin: germline.
Comment: This sequence change replaces leucine, which is neutral and non-polar, with glutamine, which is neutral and polar, at codon 226 of the SLC10A2 protein (p.Leu226Gln). This variant is present in population databases (rs186789352, gnomAD 0.003%). This variant has not been reported in the literature in individuals affected with SLC10A2-related conditions. Advanced modeling of protein sequence and biophysical properties (such as structural, functional, and spatial information, amino acid conservation, physicochemical variation, residue mobility, and thermodynamic stability) performed at Invitae indicates that this missense variant is not expected to disrupt SLC10A2 protein function with a negative predictive value of 80%. In summary, the available evidence is currently insufficient to determine the role of this variant in disease. Therefore, it has been classified as a Variant of Uncertain Significance.

NM_000452.3(SLC10A2):c.677T>A (p.Leu226Gln)

Gene: SLC10A2 (solute carrier family 10 member 2; minus strand). Cytogenetic location: 13q33.1.
Variant type: single nucleotide variant.
Coding change: c.677T>A on transcript NM_000452.3 (MANE Select); coding-DNA position 677, T replaced by A.
Protein change: p.Leu226Gln; replaces leucine 226 with glutamine.
Molecular consequence: missense variant.
Genome position (GRCh38, 1-based): chr13:103,051,341, A>T on the plus strand (T>A on the coding strand, the complement: SLC10A2 is on the minus strand). VCF-style: chr13-103051341-A-T. GRCh37 (hg19) VCF-style: chr13-103703691-A-T.
Other names: short protein forms L226Q.
Identifiers: ClinVar variation 3645596 (VCV003645596.2).